The following is an entry in ClinVar:

NM_004082.5(DCTN1):c.3700-3C>G

Gene: DCTN1 (dynactin subunit 1; minus strand). Cytogenetic location: 2p13.1.
Variant type: single nucleotide variant.
Coding change: c.3700-3C>G on transcript NM_004082.5 (MANE Select); 3 bases into the intron before coding-DNA position 3700, C replaced by G.
Molecular consequence: intron variant.
Genome position (GRCh38, 1-based): chr2:74,361,639, G>C on the plus strand (C>G on the coding strand, the complement: DCTN1 is on the minus strand). VCF-style: chr2-74361639-G-C. GRCh37 (hg19) VCF-style: chr2-74588766-G-C.
Other names: c.3574-3C>G (NM_001190836.2); c.3631-3C>G (NM_001378992.1); c.3649-3C>G (NM_001378991.1); c.3625-3C>G (NM_001135040.3); c.3679-3C>G (NM_001190837.2); c.3283-3C>G (NM_001135041.3); c.3298-3C>G (NM_023019.4).
Identifiers: ClinVar variation 2055094 (VCV002055094.4), dbSNP rs747435830, ClinGen allele CA533719276.

ClinVar aggregate classification (germline): Uncertain significance (1 of 4 stars; one submission).

Conditions:
Amyotrophic lateral sclerosis type 1 (ALS1). Also called: AMYOTROPHIC LATERAL SCLEROSIS 1, FAMILIAL. Identifiers: Orphanet 803, MedGen C1862939, MONDO:0007103, OMIM 105400.
Neuronopathy, distal hereditary motor, type 7B. Also called: NEURONOPATHY, DISTAL HEREDITARY MOTOR, AUTOSOMAL DOMINANT 14; NEURONOPATHY, DISTAL HEREDITARY MOTOR, HARDING TYPE VIIB; NEUROPATHY, DISTAL HEREDITARY MOTOR, HARDING TYPE VIIB; NEUROPATHY, DISTAL HEREDITARY MOTOR, WITH VOCAL CORD PARALYSIS, HARDING TYPE VIIB; HMN VIIB; LOWER MOTOR NEURON DISEASE, DYNACTIN TYPE. Identifiers: Orphanet 139589, MedGen C1843315, MONDO:0011879, OMIM 607641.
Perry syndrome. Also called: PARKINSONISM WITH ALVEOLAR HYPOVENTILATION AND MENTAL DEPRESSION. Identifiers: Orphanet 178509, MedGen C1868594, MONDO:0008201, OMIM 168605.

Allele frequency attached by ClinVar (database versions not stated): TOPMed below 0.00001; gnomAD 0.00001.
gnomAD v4.1: 3 of 1,613,996 alleles (0.00019%); highest among the groups gnomAD compares: South Asian, 0.0011%; no homozygotes.

Submission:

Labcorp Genetics (formerly Invitae), Labcorp
Classification: Uncertain significance for Amyotrophic lateral sclerosis type 1; Neuronopathy, distal hereditary motor, type 7B; Perry syndrome. Last evaluated: 2021-12-23. Review status: criteria provided, single submitter. Criteria: Invitae Variant Classification Sherloc (09022015). Collection method: clinical testing. Allele origin: germline.
Comment: Variants that disrupt the consensus splice site are a relatively common cause of aberrant splicing (PMID: 17576681, 9536098). Algorithms developed to predict the effect of sequence changes on RNA splicing suggest that this variant may disrupt the consensus splice site. This sequence change falls in intron 31 of the DCTN1 gene. It does not directly change the encoded amino acid sequence of the DCTN1 protein. It affects a nucleotide within the consensus splice site. This variant is present in population databases (no rsID available, gnomAD 0.003%). This variant has not been reported in the literature in individuals affected with DCTN1-related conditions. In summary, the available evidence is currently insufficient to determine the role of this variant in disease. Therefore, it has been classified as a Variant of Uncertain Significance.

Literature cited by the submitters: PubMed 17576681; PubMed 9536098.